The following is an entry in ClinVar:

NM_001267550.2(TTN):c.67279C>T (p.Arg22427Ter)

Genes: TTN (titin; minus strand), TTN-AS1 (TTN antisense RNA 1; plus strand). Cytogenetic location: 2q31.2.
Variant type: single nucleotide variant.
Coding change: c.67279C>T on transcript NM_001267550.2 (MANE Select); coding-DNA position 67279, C replaced by T.
Protein change: p.Arg22427Ter; replaces arginine 22427 with a stop codon.
Molecular consequence: nonsense.
Genome position (GRCh38, 1-based): chr2:178,580,008, G>A on the plus strand (C>T on the coding strand, the complement: TTN is on the minus strand). VCF-style: chr2-178580008-G-A. GRCh37 (hg19) VCF-style: chr2-179444735-G-A.
Other names: c.62356C>T, p.Arg20786Ter (NM_001256850.1); c.40084C>T, p.Arg13362Ter (NM_003319.4); c.59575C>T, p.Arg19859Ter (NM_133378.4); c.40459C>T, p.Arg13487Ter (NM_133432.3); c.40660C>T, p.Arg13554Ter (NM_133437.4); short protein forms R20786*, R13362*, R13554*, R22427*, R13487*, R19859*.
Identifiers: ClinVar variation 816836 (VCV000816836.19), dbSNP rs1200988060, ClinGen allele CA349424095.

ClinVar aggregate classification (germline): Pathogenic/Likely pathogenic. Review status: criteria provided, multiple submitters, no conflicts (2 of 4 stars). 9 submissions from 9 submitters: Pathogenic (6); Likely pathogenic (1). 2 of the submissions do not count toward it. Last evaluated 2026-10-14.

Conditions:
TTN-related disorder. Also called: TTN-related disorders; TTN-related condition; TTN-related disease.
Cardiovascular phenotype. Identifiers: MedGen CN230736.
Dilated cardiomyopathy 1G (CMD1G). Identifiers: Orphanet 154, MedGen C1858763, MONDO:0011400, OMIM 604145.
Autosomal recessive limb-girdle muscular dystrophy type 2J (LGMDR10). Also called: Limb-girdle muscular dystrophy, type 2J; MUSCULAR DYSTROPHY, LIMB-GIRDLE, AUTOSOMAL RECESSIVE 10. Identifiers: Orphanet 140922, MedGen C1837342, MONDO:0012127, OMIM 608807.

Allele frequency attached by ClinVar (database versions not stated): gnomAD exomes below 0.00001.
gnomAD v4.1: 3 of 1,613,274 alleles (0.00019%); highest among the groups gnomAD compares: Admixed American, 0.0033%; no homozygotes.

Submissions (9):

GeneDx
Classification: Pathogenic. Last evaluated: 2026-10-14. Review status: criteria provided, single submitter. Criteria: GeneDx Variant Classification Process June 2021. Collection method: clinical testing. Allele origin: germline.
Comment: Nonsense variant predicted to result in protein truncation or nonsense mediated decay in a gene for which loss of function is a known mechanism of disease; Located in the A-band, a region of TTN for which truncating variants are significantly associated with autosomal dominant cardiomyopathy and also with autosomal recessive skeletal myopathies (PMID: 22335739, 32778822); Not observed at significant frequency in large population cohorts (gnomAD); This variant is associated with the following publications: (PMID: 31230720, 35653365, 32233023, 36575883, 38868113, 34731015, 39844436, 31660661, 24575448, 22335739, 32778822)

Molecular Diagnostic Laboratory for Inherited Cardiovascular Disease, Montreal Heart Institute
Classification: Pathogenic for Cardiovascular phenotype. Last evaluated: 2026-05-06. Review status: criteria provided, single submitter. Criteria: ACMG Guidelines, 2015. Collection method: clinical testing. Allele origin: germline. Affected: yes.

Labcorp Genetics (formerly Invitae), Labcorp
Classification: Pathogenic for Dilated cardiomyopathy 1G; Autosomal recessive limb-girdle muscular dystrophy type 2J. Last evaluated: 2025-12-08. Review status: criteria provided, single submitter. Criteria: Invitae Variant Classification Sherloc (09022015). Collection method: clinical testing. Allele origin: germline.
Comment: This sequence change creates a premature translational stop signal (p.Arg22427*) in the TTN gene. While this is not anticipated to result in nonsense mediated decay, it is expected to create a truncated TTN protein. This variant is present in population databases (no rsID available, gnomAD 0.003%). This premature translational stop signal has been observed in individuals with clinical features of TTN-related conditions (PMID: 31230720, 31660661, 32233023; internal data). This variant is also known as c.40459C>T (p.Arg13487*). ClinVar contains an entry for this variant (Variation ID: 816836). Algorithms developed to predict the effect of sequence changes on RNA splicing suggest that this variant may disrupt the consensus splice site. This variant is located in the A band of TTN (PMID: 25589632). Truncating variants in this region are significantly overrepresented in patients affected with dilated cardiomyopathy (PMID: 25589632). Truncating variants in this region have also been reported in individuals affected with autosomal recessive centronuclear myopathy (PMID: 23975875). For these reasons, this variant has been classified as Pathogenic.

Institute of Human Genetics, University of Leipzig Medical Center
Classification: Pathogenic for Dilated cardiomyopathy 1G. Last evaluated: 2025-10-17. Review status: criteria provided, single submitter. Criteria: ACMG Guidelines, 2015. Collection method: clinical testing. Allele origin: paternal. Inheritance: Autosomal dominant inheritance. Affected: yes.
Comment: Criteria applied: PVS1,PS4_MOD,PM2_SUP

Ambry Genetics
Classification: Likely pathogenic for Cardiovascular phenotype. Last evaluated: 2025-05-08. Review status: criteria provided, single submitter. Criteria: Ambry Variant Classification Scheme 2023. Collection method: clinical testing. Allele origin: germline.
Comment: The p.R13362* variant (also known as c.40084C>T), located in coding exon 145 of the TTN gene, results from a C to T substitution at nucleotide position 40084. This changes the amino acid from an arginine to a stop codon within coding exon 145. This exon is located in the A-band region of the N2-B isoform of the titin protein and is constitutively expressed in TTN transcripts (percent spliced in or PSI 100%). This variant has been identified in the homozygous state and/or in conjunction with other TTN variant(s) in individual(s) with features consistent with TTN-related myopathy; in at least one instance, the variants were identified in trans (Pehlivan D et al. Am J Hum Genet, 2019 Jul;105:132-150; Bryen SJ et al. Hum Mutat, 2020 Feb;41:403-411; &Ccedil;avdarl B et al. Ann Hum Genet, 2023 May;87:104-114). This variant is considered to be rare based on population cohorts in the Genome Aggregation Database (gnomAD). This variant is expected to result in loss of function by premature protein truncation or nonsense-mediated mRNA decay. While truncating variants in TTN are present in 1-3% of the general population, truncating variants in the A-band are the most common cause of dilated cardiomyopathy (Herman DS et al. N. Engl. J. Med., 2012 Feb;366:619-28; Roberts AM et al. Sci Transl Med, 2015 Jan;7:270ra6). TTN truncating variants encoded in constitutive exons (PSI >90%) have been found to be significantly associated with DCM regardless of their position in titin (Schafer S et al. Nat. Genet., 2017 01;49:46-53; Akhtar MM et al. Circ Heart Fail, 2020 Oct;13:e006832; Massier M et al. Clin Genet, 2025 Jan). Based on the majority of available evidence to date, this variant is likely to be pathogenic.

PreventionGenetics, part of Exact Sciences
Classification: Pathogenic for TTN-related condition. Last evaluated: 2025-04-16. Review status: criteria provided, single submitter. Criteria: ACMG Guidelines, 2015. Collection method: clinical testing. Allele origin: germline.
Comment: The TTN c.67279C>T variant is predicted to result in premature protein termination (p.Arg22427*). This variant was reported in a cohort of individuals with cardiomyopathy (Table S10, Stava et al. 2022. PubMed ID: 35653365). This variant was also reported in an individual with Wolff-Parkinson-White syndrome (described as c.40459C>T (p.Arg13487*) with an alternate transcript NM_133432, Coban-Akdemir et al. 2020. PubMed ID: 32233023). In the compound heterozygous state, this variant was documented in individuals with arthrogryposis (Patient BAB7779, Pehlivan et al. 2019. PubMed ID: 31230720; Family G, Bryen et al. 2020. PubMed ID: 31660661). This variant is located in the A-band region of the protein in which truncating TTN variants have been found more frequently in dilated cardiomyopathy patients than in controls (Herman et al. 2012. PubMed ID: 22335739). RNAseq studies from heart tissue indicate this exon is commonly included in TTN mRNA transcripts (PSI of 92-100%); however, this analysis in muscle tissue was not performed (Roberts et al. 2015. PMID: 25589632). TTN truncating variants are reported in 1-2% of presumably healthy individuals, but occur more frequently in exons with low PSI values (Roberts et al. 2015. PMID: 25589632; Herman et al. 2012. PMID: 22335739). This variant is reported in 0.0029% of alleles in individuals of Latino descent in gnomAD and is interpreted as pathogenic in ClinVar. This variant is considered pathogenic for increased risk of TTN-related cardiac disorders, and also for autosomal recessive severe congenital titinopathies when in the presence of an additional loss-of-function TTN variant.

Revvity Omics, Revvity
Classification: Pathogenic. Last evaluated: 2023-05-25. Review status: criteria provided, single submitter. Criteria: ACMG Guidelines, 2015. Collection method: clinical testing. Allele origin: germline.

Cardiogenetics and Myogenetics Molecular and Cellular Functional Unit, Aphp Sorbonne University-Hopital Pitie Salpetriere
Classification: Pathogenic for Dilated cardiomyopathy 1G. Last evaluated: 2024-01-06. Review status: no assertion criteria provided. Collection method: clinical testing. Allele origin: germline. Affected: yes. Not counted in ClinVar's aggregate classification.

Lupski Lab, Baylor-Hopkins CMG, Baylor College of Medicine
Classification: Pathogenic for Autosomal recessive limb-girdle muscular dystrophy type 2J. Review status: no assertion criteria provided. Collection method: research. Allele origin: inherited. Inheritance: Autosomal recessive inheritance. Affected: yes. Observed: 2 variant alleles, 1 heterozygote, 1 compound heterozygote. Not counted in ClinVar's aggregate classification.

Literature cited by the submitters: PubMed 31230720 (cited by Labcorp Genetics (formerly Invitae), Labcorp and Ambry Genetics); PubMed 31660661 (cited by Labcorp Genetics (formerly Invitae), Labcorp and Ambry Genetics); PubMed 32233023 (cited by Labcorp Genetics (formerly Invitae), Labcorp); PubMed 25589632 (cited by Labcorp Genetics (formerly Invitae), Labcorp); PubMed 23975875 (cited by Labcorp Genetics (formerly Invitae), Labcorp); PubMed 36575883 (cited by Ambry Genetics).